The following is an entry in ClinVar:

ClinVar aggregate classification (germline): Likely benign. Review status: criteria provided, single submitter (1 of 4 stars). 2 submissions from 2 submitters: Likely benign (1). 1 of the submissions does not count toward it. Last evaluated 2023-01-20.

Conditions:
CSF1R-related disorder. Also called: CSF1R-related condition. Identifiers: MedGen CN379780, MONDO:0100632.

Allele frequency attached by ClinVar (database versions not stated): ExAC 0.00001; gnomAD exomes 0.00001; gnomAD 0.00002; TOPMed 0.00002.
gnomAD v4.1: 70 of 1,614,002 alleles (0.0043%); highest among the groups gnomAD compares: Non-Finnish European, 0.0058%; no homozygotes.

Submissions (2):

Labcorp Genetics (formerly Invitae), Labcorp
Classification: Likely benign. Last evaluated: 2023-01-20. Review status: criteria provided, single submitter. Criteria: Invitae Variant Classification Sherloc (09022015). Collection method: clinical testing. Allele origin: germline.

PreventionGenetics, part of Exact Sciences
Classification: Likely benign for CSF1R-related condition. Last evaluated: 2020-12-02. Review status: no assertion criteria provided. Collection method: clinical testing. Allele origin: germline. Not counted in ClinVar's aggregate classification.
Comment: This variant is classified as likely benign based on ACMG/AMP sequence variant interpretation guidelines (Richards et al. 2015 PMID: 25741868, with internal and published modifications).

NM_001288705.3(CSF1R):c.993G>A (p.Leu331=)

Gene: CSF1R (colony stimulating factor 1 receptor; minus strand). Cytogenetic location: 5q32.
Variant type: single nucleotide variant.
Coding change: c.993G>A on transcript NM_001288705.3 (MANE Select); coding-DNA position 993, G replaced by A.
Protein change: p.Leu331=; no amino-acid change (leucine 331 retained).
Molecular consequence: synonymous variant. On other transcripts: non-coding transcript variant (2).
Genome position (GRCh38, 1-based): chr5:150,073,390, C>T on the plus strand (G>A on the coding strand, the complement: CSF1R is on the minus strand). VCF-style: chr5-150073390-C-T. GRCh37 (hg19) VCF-style: chr5-149452953-C-T.
Other names: c.993G>A (NM_005211.3); c.993G>A, p.Leu331= (NM_001349736.2, NM_001375320.1, NM_005211.4); c.549G>A, p.Leu183= (NM_001375321.1).
Identifiers: ClinVar variation 1620863 (VCV001620863.10), dbSNP rs768818550, ClinGen allele CA3506973.